The following is an entry in ClinVar:

NM_001943.5(DSG2):c.523+24T>A

Gene: DSG2 (desmoglein 2; plus strand). Cytogenetic location: 18q12.1.
Variant type: single nucleotide variant.
Coding change: c.523+24T>A on transcript NM_001943.5 (MANE Select); 24 bases into the intron after coding-DNA position 523, T replaced by A.
Molecular consequence: intron variant.
Genome position (GRCh38, 1-based): chr18:31,521,267, T>A. VCF-style: chr18-31521267-T-A. GRCh37 (hg19) VCF-style: chr18-29101230-T-A.
Identifiers: ClinVar variation 188447 (VCV000188447.4), dbSNP rs55657337, ClinGen allele CA022160.

ClinVar aggregate classification (germline): Benign. Review status: criteria provided, multiple submitters, no conflicts (2 of 4 stars). 3 submissions from 3 submitters: Benign (3). Last evaluated 2018-06-15.

Allele frequency attached by ClinVar (database versions not stated): 1000 Genomes Project 0.14137; gnomAD exomes 0.09684; gnomAD 0.15444 and 0.14925; ExAC 0.10370; ESP Exome Variant Server 0.10446; TOPMed 0.15544.

Submissions (3):

GeneDx
Classification: Benign. Last evaluated: 2018-06-15. Review status: criteria provided, single submitter. Criteria: GeneDx Variant Classification (06012015). Collection method: clinical testing. Allele origin: germline. Affected: yes.
Comment: This variant is considered likely benign or benign based on one or more of the following criteria: it is a conservative change, it occurs at a poorly conserved position in the protein, it is predicted to be benign by multiple in silico algorithms, and/or has population frequency not consistent with disease.

Breakthrough Genomics
Classification: Benign. Review status: criteria provided, single submitter. Criteria: ACMG Guidelines, 2015. Collection method: not provided. Allele origin: germline. Inheritance: Autosomal recessive inheritance. Affected: yes.

PreventionGenetics, part of Exact Sciences
Classification: Benign. Review status: criteria provided, single submitter. Criteria: ACMG Guidelines, 2015. Collection method: clinical testing. Allele origin: germline.